The following is an entry in ClinVar:

ClinVar aggregate classification (germline): Conflicting classifications of pathogenicity. Review status: criteria provided, conflicting classifications (1 of 4 stars). 4 submissions from 4 submitters: Uncertain significance (1); Likely benign (2). 1 of the submissions does not count toward it. Last evaluated 2025-12-31.

Conditions:
Alstrom syndrome (ALMS). Identifiers: Orphanet 64, MedGen C0268425, MONDO:0008763, OMIM 203800.
Cardiovascular phenotype. Identifiers: MedGen CN230736.

Allele frequency attached by ClinVar (database versions not stated): 1000 Genomes Project 0.00020; gnomAD exomes 0.00009; ExAC 0.00010; 1000 Genomes Project 30x 0.00016.
gnomAD v4.1: 86 of 1,613,526 alleles (0.0053%); highest among the groups gnomAD compares: South Asian, 0.076%; 2 homozygotes.

Submissions (4):

Labcorp Genetics (formerly Invitae), Labcorp
Classification: Likely benign for Alstrom syndrome. Last evaluated: 2025-12-31. Review status: criteria provided, single submitter. Criteria: Invitae Variant Classification Sherloc (09022015). Collection method: clinical testing. Allele origin: germline.

GeneDx
Classification: Uncertain significance. Last evaluated: 2025-08-19. Review status: criteria provided, single submitter. Criteria: GeneDx Variant Classification Process June 2021. Collection method: clinical testing. Allele origin: germline. Affected: yes.
Comment: In silico analysis suggests that this missense variant does not alter protein structure/function; Has not been previously published as pathogenic or benign to our knowledge

Ambry Genetics
Classification: Likely benign for Cardiovascular phenotype. Last evaluated: 2023-08-04. Review status: criteria provided, single submitter. Criteria: Ambry Variant Classification Scheme 2023. Collection method: clinical testing. Allele origin: germline.

Natera, Inc.
Classification: Likely benign for Alstrom syndrome. Last evaluated: 2020-02-27. Review status: no assertion criteria provided. Collection method: clinical testing. Allele origin: germline. Not counted in ClinVar's aggregate classification.

NM_001378454.1(ALMS1):c.11867A>G (p.His3956Arg)

Gene: ALMS1 (ALMS1 centrosome and basal body associated protein; plus strand). Cytogenetic location: 2p13.1.
Variant type: single nucleotide variant.
Coding change: c.11867A>G on transcript NM_001378454.1 (MANE Select); coding-DNA position 11867, A replaced by G.
Protein change: p.His3956Arg; replaces histidine 3956 with arginine.
Molecular consequence: missense variant.
Genome position (GRCh38, 1-based): chr2:73,600,876, A>G. VCF-style: chr2-73600876-A-G. GRCh37 (hg19) VCF-style: chr2-73828003-A-G.
Other names: c.11870A>G, p.His3957Arg (NM_015120.4); short protein forms H3957R, H3956R.
Identifiers: ClinVar variation 699686 (VCV000699686.18), dbSNP rs553786370, ClinGen allele CA1715345.